The following is an entry in ClinVar:

ClinVar aggregate classification (germline): Conflicting classifications of pathogenicity. Review status: criteria provided, conflicting classifications (1 of 4 stars). 7 submissions from 7 submitters: Uncertain significance (4); Likely benign (2). 1 of the submissions does not count toward it. Last evaluated 2026-02-24.

Conditions:
COL18A1-related disorder. Also called: COL18A1-related disorders; COL18A1-related condition.
Knobloch syndrome (KNO). Also called: RETINAL DETACHMENT AND OCCIPITAL ENCEPHALOCELE; Myopia retinal detachment encephalocele. Identifiers: Orphanet 1571, MedGen C1849409, MONDO:0800166.
Inborn genetic diseases. Identifiers: MedGen C0950123, MeSH D030342.

Allele frequency attached by ClinVar (database versions not stated): gnomAD 0.00029 and 0.00033; ExAC 0.00036; TOPMed 0.00036; 1000 Genomes Project 0.00040; gnomAD exomes 0.00040; 1000 Genomes Project 30x 0.00047; ESP Exome Variant Server 0.00048.
gnomAD v4.1: 900 of 1,614,152 alleles (0.056%); highest among the groups gnomAD compares: Non-Finnish European, 0.065%; no homozygotes.

Submissions (7):

Women's Health and Genetics/Laboratory Corporation of America, LabCorp
Classification: Uncertain significance. Last evaluated: 2026-02-24. Review status: criteria provided, single submitter. Criteria: LabCorp Variant Classification Summary - May 2015. Collection method: clinical testing. Allele origin: germline.
Comment: Variant summary: COL18A1 NM_001379500 c.1687G>A (p.Ala563Thr) results in a non-conservative amino acid change in the encoded protein sequence. Algorithms developed to predict the effect of missense changes on protein structure and function are either unavailable or do not agree on the potential impact of this missense change. The variant allele was found at a frequency of 0.0004 in 249544 control chromosomes. This frequency is not significantly higher than estimated for disease-causing variants in COL18A1, allowing no conclusion about variant significance. To our knowledge, no occurrence of c.1687G>A in individuals affected with COL18A1-related conditions and no experimental evidence demonstrating its impact on protein function have been reported. ClinVar contains an entry for this variant (Variation ID: 340227). Based on the evidence outlined above, the variant was classified as uncertain significance.

Labcorp Genetics (formerly Invitae), Labcorp
Classification: Uncertain significance. Last evaluated: 2026-02-02. Review status: criteria provided, single submitter. Criteria: Invitae Variant Classification Sherloc (09022015). Collection method: clinical testing. Allele origin: germline.
Comment: This sequence change replaces alanine, which is neutral and non-polar, with threonine, which is neutral and polar, at codon 563 of the COL18A1 protein (p.Ala563Thr). This variant is present in population databases (rs201476017, gnomAD 0.2%). This variant has not been reported in the literature in individuals affected with COL18A1-related conditions. ClinVar contains an entry for this variant (Variation ID: 340227). Experimental studies and prediction algorithms are not available or were not evaluated, and the functional significance of this variant is currently unknown. In summary, the available evidence is currently insufficient to determine the role of this variant in disease. Therefore, it has been classified as a Variant of Uncertain Significance.

Ambry Genetics
Classification: Likely benign for Inborn genetic diseases. Last evaluated: 2025-07-11. Review status: criteria provided, single submitter. Criteria: Ambry Variant Classification Scheme 2023. Collection method: clinical testing. Allele origin: germline.

Blueprint Genetics
Classification: Likely benign. Last evaluated: 2024-11-08. Review status: criteria provided, single submitter. Criteria: ACMG Guidelines, 2015. Collection method: clinical testing. Allele origin: germline.

GeneDx
Classification: Uncertain significance. Last evaluated: 2023-10-17. Review status: criteria provided, single submitter. Criteria: GeneDx Variant Classification Process June 2021. Collection method: clinical testing. Allele origin: germline. Affected: yes.
Comment: In silico analysis supports that this missense variant does not alter protein structure/function; Has not been previously published as pathogenic or benign to our knowledge; In silico analysis is inconclusive as to whether the variant alters gene splicing. In the absence of RNA/functional studies, the actual effect of this sequence change is unknown.

Illumina Laboratory Services, Illumina
Classification: Uncertain significance for Knobloch syndrome 1. Last evaluated: 2018-01-12. Review status: criteria provided, single submitter. Criteria: ICSL Variant Classification Criteria 13 December 2019. Collection method: clinical testing. Allele origin: germline.

PreventionGenetics, part of Exact Sciences
Classification: Likely benign for COL18A1-related condition. Last evaluated: 2022-04-29. Review status: no assertion criteria provided. Collection method: clinical testing. Allele origin: germline. Not counted in ClinVar's aggregate classification.
Comment: This variant is classified as likely benign based on ACMG/AMP sequence variant interpretation guidelines (Richards et al. 2015 PMID: 25741868, with internal and published modifications).

NM_001379500.1(COL18A1):c.1687G>A (p.Ala563Thr)

Gene: COL18A1 (collagen type XVIII alpha 1 chain; plus strand). Cytogenetic location: 21q22.3.
Variant type: single nucleotide variant.
Coding change: c.1687G>A on transcript NM_001379500.1 (MANE Select); coding-DNA position 1687, G replaced by A.
Protein change: p.Ala563Thr; replaces alanine 563 with threonine.
Molecular consequence: missense variant.
Genome position (GRCh38, 1-based): chr21:45,482,807, G>A. VCF-style: chr21-45482807-G-A. GRCh37 (hg19) VCF-style: chr21-46902721-G-A.
Other names: NM_130445.2:c.1687G>A; c.2227G>A (NM_030582.3); c.2227G>A, p.Ala743Thr (NM_030582.4); c.2932G>A, p.Ala978Thr (NM_130444.3); short protein forms A743T, A978T.
Identifiers: ClinVar variation 340227 (VCV000340227.17), dbSNP rs201476017, ClinGen allele CA10066510.